The following is an entry in ClinVar:

NM_025074.7(FRAS1):c.7025C>T (p.Thr2342Ile)

Gene: FRAS1 (Fraser extracellular matrix complex subunit 1; plus strand). Cytogenetic location: 4q21.21.
Variant type: single nucleotide variant.
Coding change: c.7025C>T on transcript NM_025074.7 (MANE Select); coding-DNA position 7025, C replaced by T.
Protein change: p.Thr2342Ile; replaces threonine 2342 with isoleucine.
Molecular consequence: missense variant.
Genome position (GRCh38, 1-based): chr4:78,464,579, C>T. VCF-style: chr4-78464579-C-T. GRCh37 (hg19) VCF-style: chr4-79385733-C-T.
Other names: c.7025C>T (NM_025074.6); short protein forms T2342I.
Identifiers: ClinVar variation 2184270 (VCV002184270.3), dbSNP rs373096695, ClinGen allele CA2977956.

ClinVar aggregate classification (germline): Uncertain significance. Review status: criteria provided, multiple submitters, no conflicts (2 of 4 stars). 2 submissions from 2 submitters: Uncertain significance (2). Last evaluated 2025-08-07.

Conditions:
Inborn genetic diseases. Identifiers: MedGen C0950123, MeSH D030342.

Allele frequency attached by ClinVar (database versions not stated): gnomAD 0.00004; ESP Exome Variant Server 0.00008; ExAC 0.00013.
gnomAD v4.1: 120 of 1,613,560 alleles (0.0074%); highest among the groups gnomAD compares: Non-Finnish European, 0.0072%; no homozygotes.

Submissions (2):

Ambry Genetics
Classification: Uncertain significance for Inborn genetic diseases. Last evaluated: 2025-08-07. Review status: criteria provided, single submitter. Criteria: Ambry Variant Classification Scheme 2023. Collection method: clinical testing. Allele origin: germline.

Labcorp Genetics (formerly Invitae), Labcorp
Classification: Uncertain significance. Last evaluated: 2022-03-19. Review status: criteria provided, single submitter. Criteria: Invitae Variant Classification Sherloc (09022015). Collection method: clinical testing. Allele origin: germline.
Comment: This sequence change replaces threonine, which is neutral and polar, with isoleucine, which is neutral and non-polar, at codon 2342 of the FRAS1 protein (p.Thr2342Ile). This variant is present in population databases (rs373096695, gnomAD 0.05%). This variant has not been reported in the literature in individuals affected with FRAS1-related conditions. Algorithms developed to predict the effect of missense changes on protein structure and function (SIFT, PolyPhen-2, Align-GVGD) all suggest that this variant is likely to be disruptive. In summary, the available evidence is currently insufficient to determine the role of this variant in disease. Therefore, it has been classified as a Variant of Uncertain Significance.